The following is an entry in ClinVar:

NM_001283009.2(RTEL1):c.550G>A (p.Glu184Lys)

Genes: RTEL1 (regulator of telomere elongation helicase 1; plus strand), RTEL1-TNFRSF6B (RTEL1-TNFRSF6B readthrough (NMD candidate); plus strand). Cytogenetic location: 20q13.33.
Variant type: single nucleotide variant.
Coding change: c.550G>A on transcript NM_001283009.2 (MANE Select); coding-DNA position 550, G replaced by A.
Protein change: p.Glu184Lys; replaces glutamic acid 184 with lysine.
Molecular consequence: missense variant. On other transcripts: non-coding transcript variant (1), 5 prime UTR variant (1).
Genome position (GRCh38, 1-based): chr20:63,666,015, G>A. VCF-style: chr20-63666015-G-A. GRCh37 (hg19) VCF-style: chr20-62297368-G-A.
Other names: c.-120G>A (NM_001283010.1); c.550G>A, p.Glu184Lys (NM_016434.4); c.622G>A, p.Glu208Lys (NM_032957.5); short protein forms E208K, E184K.
Identifiers: ClinVar variation 5028467 (VCV005028467.1).
Genomic context (GRCh38, chr20:63,666,015, plus strand): 5'-ACTTAGTGGACCCTGAGGGTGTGTGTTTACCCCTGCCTCACACCTGCAGAAAAAAGCCTG[G>A]AGCAGGAGCTGGCCAGCCCCATCCTGGACATTGAGGACTTGGTCAAGAGCGGAAGCAAGC-3'
Protein context (NP_001269938.1, residues 174-194): FYNNVEEKSL[Glu184Lys]QELASPILDI

ClinVar aggregate classification (germline): Uncertain significance (1 of 4 stars; one submission).

Conditions:
Inborn genetic diseases. Identifiers: MedGen C0950123, MeSH D030342.

Submission:

Ambry Genetics
Classification: Uncertain significance for Inborn genetic diseases. Last evaluated: 2026-06-24. Review status: criteria provided, single submitter. Criteria: Ambry Variant Classification Scheme 2023. Collection method: clinical testing. Allele origin: germline.
Comment: The p.E184K variant (also known as c.550G>A), located in coding exon 6 of the RTEL1 gene, results from a G to A substitution at nucleotide position 550. The glutamic acid at codon 184 is replaced by lysine, an amino acid with similar properties. This amino acid position is conserved. In addition, this alteration is predicted to be tolerated by in silico analysis. Based on the available evidence, the clinical significance of this variant remains unclear.